The following is an entry in ClinVar:

NM_001458.5(FLNC):c.6041T>C (p.Val2014Ala)

Genes: FLNC (filamin C; plus strand), FLNC-AS1 (FLNC antisense RNA 1; minus strand). Cytogenetic location: 7q32.1.
Variant type: single nucleotide variant.
Coding change: c.6041T>C on transcript NM_001458.5 (MANE Select); coding-DNA position 6041, T replaced by C.
Protein change: p.Val2014Ala; replaces valine 2014 with alanine.
Molecular consequence: missense variant.
Genome position (GRCh38, 1-based): chr7:128,852,864, T>C. VCF-style: chr7-128852864-T-C. GRCh37 (hg19) VCF-style: chr7-128492918-T-C.
Other names: c.5942T>C, p.Val1981Ala (NM_001127487.2); short protein forms V2014A, V1981A.
Identifiers: ClinVar variation 840829 (VCV000840829.16), dbSNP rs765064363, ClinGen allele CA4475876.
Genomic context (GRCh38, chr7:128,852,864, plus strand): 5'-CTGCCTAACACCCACTTTCCACAGGGATCTCCTTCACCCCCAAGGAGGTCGGGGAGCACG[T>C]GGTGAGCGTGCGCAAGAGTGGCAAGCATGTCACCAACAGCCCCTTCAAGATCCTGGTGGG-3'
Protein context (NP_001449.3, residues 2004-2024): SFTPKEVGEH[Val2014Ala]VSVRKSGKHV

ClinVar aggregate classification (germline): Uncertain significance. Review status: criteria provided, multiple submitters, no conflicts (2 of 4 stars). 7 submissions from 7 submitters: Uncertain significance (7). Last evaluated 2026-09-01.

Conditions:
Hypertrophic cardiomyopathy 26. Also called: Cardiomyopathy, familial hypertrophic, 26. Identifiers: Orphanet 75249, MedGen C4310749, MONDO:0014883, OMIM 617047.
Distal myopathy with posterior leg and anterior hand involvement. Also called: WILLIAMS DISTAL MYOPATHY. Identifiers: Orphanet 63273, MedGen C3279722, MONDO:0013550, OMIM 614065.
Myofibrillar myopathy 5. Also called: FILAMINOPATHY, AUTOSOMAL DOMINANT; Filaminopathy (type). Identifiers: Orphanet 171445, MedGen C1836050, MONDO:0012289, OMIM 609524.
FLNC-related disorder. Also called: FLNC-related condition; FLNC-related disorders.
Cardiovascular phenotype. Identifiers: MedGen CN230736.

Allele frequency attached by ClinVar (database versions not stated): ExAC 0.00002; gnomAD 0.00002; gnomAD exomes 0.00002 and 0.00005; TOPMed 0.00002.
gnomAD v4.1: 79 of 1,613,714 alleles (0.0049%); highest among the groups gnomAD compares: Non-Finnish European, 0.0064%; no homozygotes.

Submissions (7):

PreventionGenetics, part of Exact Sciences
Classification: Uncertain significance for FLNC-related condition. Last evaluated: 2026-09-01. Review status: criteria provided, single submitter. Criteria: ACMG Guidelines, 2015. Collection method: clinical testing. Allele origin: germline.
Comment: The FLNC c.6041T>C variant is predicted to result in the amino acid substitution p.Val2014Ala. This variant has been reported as a variant of uncertain significance in a cohort of individuals referred for genetic testing of cardiomyopathy and/or arrhythmia; however, detailed clinical information was not available (Supplement 2, Dellefave-Castillo et al. 2022. PubMed ID: 35947370). This variant is reported in 0.0053% of alleles in individuals of European (Non-Finnish) descent in gnomAD. At this time, the clinical significance of this variant is uncertain due to the absence of conclusive functional and genetic evidence.

Labcorp Genetics (formerly Invitae), Labcorp
Classification: Uncertain significance for Distal myopathy with posterior leg and anterior hand involvement; Myofibrillar myopathy 5; Hypertrophic cardiomyopathy 26. Last evaluated: 2025-12-23. Review status: criteria provided, single submitter. Criteria: Invitae Variant Classification Sherloc (09022015). Collection method: clinical testing. Allele origin: germline.
Comment: This sequence change replaces valine, which is neutral and non-polar, with alanine, which is neutral and non-polar, at codon 2014 of the FLNC protein (p.Val2014Ala). This variant is present in population databases (rs765064363, gnomAD 0.005%). This missense change has been observed in individual(s) with frontotemporal dementia (PMID: 26555887). ClinVar contains an entry for this variant (Variation ID: 840829). Invitae Evidence Modeling of protein sequence and biophysical properties (such as structural, functional, and spatial information, amino acid conservation, physicochemical variation, residue mobility, and thermodynamic stability) has been performed for this missense variant. However, the output from this modeling did not meet the statistical confidence thresholds required to predict the impact of this variant on FLNC protein function. In summary, the available evidence is currently insufficient to determine the role of this variant in disease. Therefore, it has been classified as a Variant of Uncertain Significance.

Women's Health and Genetics/Laboratory Corporation of America, LabCorp
Classification: Uncertain significance. Last evaluated: 2025-03-28. Review status: criteria provided, single submitter. Criteria: LabCorp Variant Classification Summary - May 2015. Collection method: clinical testing. Allele origin: germline.
Comment: Variant summary: FLNC c.6041T>C (p.Val2014Ala) results in a non-conservative amino acid change in the encoded protein sequence. Three of five in-silico tools predict a damaging effect of the variant on protein function. The variant allele was found at a frequency of 2.4e-05 in 249432 control chromosomes. The available data on variant occurrences in the general population are insufficient to allow any conclusion about variant significance. c.6041T>C has been reported in the literature in at least one individual from a cardiomyopathy and arrhythmia cohort (e.g., Dellefave-Castillo_2022). This report does not provide unequivocal conclusions about association of the variant with Dilated Cardiomyopathy. To our knowledge, no experimental evidence demonstrating an impact on protein function has been reported. The following publication has been ascertained in the context of this evaluation (PMID: 35947370). ClinVar contains an entry for this variant (Variation ID: 840829). Based on the evidence outlined above, the variant was classified as uncertain significance.

GeneDx
Classification: Uncertain significance. Last evaluated: 2022-09-15. Review status: criteria provided, single submitter. Criteria: GeneDx Variant Classification Process June 2021. Collection method: clinical testing. Allele origin: germline. Affected: yes.
Comment: In silico analysis supports that this missense variant does not alter protein structure/function; Has not been previously published as pathogenic or benign in association with an FLNC-related disorder to our knowledge; This variant is associated with the following publications: (PMID: 26555887)

Victorian Clinical Genetics Services, Murdoch Childrens Research Institute
Classification: Uncertain significance for Hypertrophic cardiomyopathy 26. Last evaluated: 2020-05-25. Review status: criteria provided, single submitter. Criteria: ACMG Guidelines, 2015. Collection method: clinical testing. Allele origin: germline. Inheritance: Autosomal dominant inheritance. Affected: yes.
Comment: Based on the classification scheme VCGS_Germline_v0.6.1, this variant is classified as 3B-VUS. Following criteria are met: 0103 - Both loss and gain of function are known mechanism of disease for this gene (PMID:23109048). 0107 - This gene is known to be associated with autosomal dominant disease. 0112 - Variants in this gene are known to have reduced penetrance. Reduced penetrance has been reported in families with familial hypertrophic cardiomyopathy (OMIM). 0200 - Variant is predicted to result in a missense amino acid change from valine to alanine (exon 37). 0302 - Variant is present in gnomAD >=0.0002 and <0.001 for dominant indication (6 heterozygotes, 0 homozygotes). 0309 - An alternative amino acid change at the same position has been observed in gnomAD (p.(Val2014Met): 7 heterozygotes, 0 homozygotes). 0502 - Missense variant with conflicting in silico predictions and uninformative conservation. 0600 - Variant is located in an annotated domain or motif that does not have a well established function (Filamin repeat 18 domain; UniProt). 0705 - No comparable variants in relevant codon/region have previous evidence for pathogenicity. A different variant in the same codon resulting in a change to a methionine has been reported as uncertain clinical significance (ClinVar). 0807 - Variant has not previously been reported in individuals with myopathy or cardiomyopathy, however it has been reported in a patient with frontotemporal dementia without myopathy (PMID:26555887). 0905 - No published segregation evidence has been identified for this variant. 1007 - No published functional evidence has been identified for this variant.

Ambry Genetics
Classification: Uncertain significance for Cardiovascular phenotype. Last evaluated: 2019-12-19. Review status: criteria provided, single submitter. Criteria: Ambry Variant Classification Scheme 2023. Collection method: clinical testing. Allele origin: germline.
Comment: The p.V2014A variant (also known as c.6041T>C), located in coding exon 37 of the FLNC gene, results from a T to C substitution at nucleotide position 6041. The valine at codon 2014 is replaced by alanine, an amino acid with similar properties. This variant has been detected in a frontotemporal dementia cohort (Janssens J et al. Acta Neuropathol Commun, 2015 Nov;3:68). This amino acid position is well conserved in available vertebrate species. In addition, this alteration is predicted to be tolerated by in silico analysis. Since supporting evidence is limited at this time, the clinical significance of this alteration remains unclear.

Baylor Genetics
Classification: Uncertain significance for Hypertrophic cardiomyopathy 26. Last evaluated: 2018-07-09. Review status: criteria provided, single submitter. Criteria: ACMG Guidelines, 2015. Collection method: clinical testing. Allele origin: paternal. Affected: yes.
Comment: This variant was determined to be of uncertain significance according to ACMG Guidelines, 2015 [PMID:25741868].

Literature cited by the submitters: PubMed 26555887 (cited by 3 submitters); PubMed 35947370 (cited by Women's Health and Genetics/Laboratory Corporation of America, LabCorp); PubMed 23109048 (cited by Victorian Clinical Genetics Services, Murdoch Childrens Research Institute).